The following is an entry in ClinVar:

ClinVar aggregate classification (germline): Uncertain significance. Review status: criteria provided, multiple submitters, no conflicts (2 of 4 stars). 4 submissions from 4 submitters: Uncertain significance (4). Last evaluated 2024-10-08.

Conditions:
Autoinflammatory syndrome. Identifiers: Orphanet 93665, MedGen C3890737, MONDO:0019751.
Inborn genetic diseases. Identifiers: MedGen C0950123, MeSH D030342.
Griscelli syndrome type 2 (GS2). Also called: GRISCELLI SYNDROME WITH HEMOPHAGOCYTIC SYNDROME; PAID SYNDROME; PARTIAL ALBINISM AND IMMUNODEFICIENCY SYNDROME. Identifiers: Orphanet 381, Orphanet 79477, MedGen C1868679, MONDO:0011872, OMIM 607624.

Allele frequency attached by ClinVar (database versions not stated): ExAC 0.00006; gnomAD exomes 0.00007 and 0.00015; TOPMed 0.00007; ESP Exome Variant Server 0.00008; gnomAD 0.00009 and 0.00010; 1000 Genomes Project 30x 0.00016; 1000 Genomes Project 0.00020.
gnomAD v4.1: 232 of 1,613,418 alleles (0.014%); highest among the groups gnomAD compares: Middle Eastern, 0.05%; no homozygotes.

Submissions (4):

Ambry Genetics
Classification: Uncertain significance for Inborn genetic diseases. Last evaluated: 2024-10-08. Review status: criteria provided, single submitter. Criteria: Ambry Variant Classification Scheme 2023. Collection method: clinical testing. Allele origin: germline.

Labcorp Genetics (formerly Invitae), Labcorp
Classification: Uncertain significance for Griscelli syndrome type 2. Last evaluated: 2022-08-19. Review status: criteria provided, single submitter. Criteria: Invitae Variant Classification Sherloc (09022015). Collection method: clinical testing. Allele origin: germline.
Comment: This sequence change replaces proline, which is neutral and non-polar, with serine, which is neutral and polar, at codon 58 of the RAB27A protein (p.Pro58Ser). This variant is present in population databases (rs201284258, gnomAD 0.05%). This variant has not been reported in the literature in individuals affected with RAB27A-related conditions. ClinVar contains an entry for this variant (Variation ID: 970666). Advanced modeling of protein sequence and biophysical properties (such as structural, functional, and spatial information, amino acid conservation, physicochemical variation, residue mobility, and thermodynamic stability) performed at Invitae indicates that this missense variant is not expected to disrupt RAB27A protein function. In summary, the available evidence is currently insufficient to determine the role of this variant in disease. Therefore, it has been classified as a Variant of Uncertain Significance.

Genome Diagnostics Laboratory, The Hospital for Sick Children
Classification: Uncertain significance for Autoinflammatory syndrome. Last evaluated: 2019-12-01. Review status: criteria provided, single submitter. Criteria: ACMG Guidelines, 2015. Collection method: clinical testing. Allele origin: germline. Affected: yes.

Breakthrough Genomics
Classification: Uncertain significance. Review status: criteria provided, single submitter. Criteria: ACMG Guidelines, 2015. Collection method: not provided. Allele origin: germline. Inheritance: Autosomal recessive inheritance. Affected: yes.

NM_183235.3(RAB27A):c.172C>T (p.Pro58Ser)

Gene: RAB27A (RAB27A, member RAS oncogene family; minus strand). Cytogenetic location: 15q21.3.
Variant type: single nucleotide variant.
Coding change: c.172C>T on transcript NM_183235.3 (MANE Select); coding-DNA position 172, C replaced by T.
Protein change: p.Pro58Ser; replaces proline 58 with serine.
Molecular consequence: missense variant.
Genome position (GRCh38, 1-based): chr15:55,230,468, G>A on the plus strand (C>T on the coding strand, the complement: RAB27A is on the minus strand). VCF-style: chr15-55230468-G-A. GRCh37 (hg19) VCF-style: chr15-55522666-G-A.
Other names: c.172C>T, p.Pro58Ser (NM_004580.5, NM_183234.3, NM_183236.3); short protein forms P58S.
Identifiers: ClinVar variation 970666 (VCV000970666.13), dbSNP rs201284258, ClinGen allele CA7573673.
Genomic context (GRCh38, chr15:55,230,468, plus strand): 5'-GCCCTGCTGTGTCCCATAACTGCAGGTGGATTCTCTGGCCTCTGCCAGTGGCTCCATCCG[G>A]CCCACTGGCTCTGTACACCTAAAACAGCAAAGTGAAAGAGAAAACAAAAGAGAACTTCTA-3'
Protein context (NP_899058.1, residues 48-68): EKRVVYRASG[Pro58Ser]DGATGRGQRI